The following is an entry in ClinVar:

NM_170754.4(TNS2):c.3358+18G>A

Gene: TNS2 (tensin 2; plus strand). Cytogenetic location: 12q13.13.
Variant type: single nucleotide variant.
Coding change: c.3358+18G>A on transcript NM_170754.4 (MANE Select); 18 bases into the intron after coding-DNA position 3358, G replaced by A.
Molecular consequence: intron variant.
Genome position (GRCh38, 1-based): chr12:53,061,282, G>A. VCF-style: chr12-53061282-G-A. GRCh37 (hg19) VCF-style: chr12-53455066-G-A.
Other names: c.2986+18G>A (NM_198316.2); c.3358+18G>A (NM_001416202.1); c.3316+18G>A (NM_001416203.1); c.3289+18G>A (NM_015319.3); c.3385+18G>A (NM_001416204.1).
Identifiers: ClinVar variation 4781594 (VCV004781594.1).

ClinVar aggregate classification (germline): Uncertain significance (1 of 4 stars; one submission).

gnomAD v4.1: 11 of 1,595,412 alleles (0.00069%); highest among the groups gnomAD compares: African/African-American, 0.015%; no homozygotes.

Submission:

Labcorp Genetics (formerly Invitae), Labcorp
Classification: Uncertain significance. Last evaluated: 2025-09-13. Review status: criteria provided, single submitter. Criteria: Invitae Variant Classification Sherloc (09022015). Collection method: clinical testing. Allele origin: germline.
Comment: This sequence change falls in intron 20 of the TNS2 gene. It does not directly change the encoded amino acid sequence of the TNS2 protein. This variant is present in population databases (rs199919113, gnomAD 0.008%). This variant has not been reported in the literature in individuals affected with TNS2-related conditions. Algorithms developed to predict the effect of sequence changes on RNA splicing suggest that this variant may disrupt the consensus splice site. In summary, the available evidence is currently insufficient to determine the role of this variant in disease. Therefore, it has been classified as a Variant of Uncertain Significance.